The following is an entry in ClinVar:

ClinVar aggregate classification (germline): Likely pathogenic (1 of 4 stars; one submission).

Submission:

GeneDx
Classification: Likely pathogenic. Last evaluated: 2024-07-22. Review status: criteria provided, single submitter. Criteria: GeneDx Variant Classification Process June 2021. Collection method: clinical testing. Allele origin: germline. Affected: yes.
Comment: Not observed at significant frequency in large population cohorts (gnomAD); In silico analysis supports that this missense variant has a deleterious effect on protein structure/function; This substitution is predicted to be within the transmembrane segment S1 of the first homologous domain; This variant is associated with the following publications: (PMID: 38771640)

NM_001330260.2(SCN8A):c.431C>G (p.Thr144Ser)

Gene: SCN8A (sodium voltage-gated channel alpha subunit 8; plus strand). Cytogenetic location: 12q13.13.
Variant type: single nucleotide variant.
Coding change: c.431C>G on transcript NM_001330260.2 (MANE Select); coding-DNA position 431, C replaced by G.
Protein change: p.Thr144Ser; replaces threonine 144 with serine.
Molecular consequence: missense variant.
Genome position (GRCh38, 1-based): chr12:51,686,403, C>G. VCF-style: chr12-51686403-C-G. GRCh37 (hg19) VCF-style: chr12-52080187-C-G.
Other names: c.431C>G, p.Thr144Ser (NM_001177984.3, NM_001369788.1, NM_014191.4); short protein forms T144S.
Identifiers: ClinVar variation 3600649 (VCV003600649.1).
Genomic context (GRCh38, chr12:51,686,403, plus strand): 5'-ATATTGCCCCTTGACTCTTCTCTACAGTATTTAGCATGATCATTATGTGCACTATTTTGA[C>G]CAACTGTGTATTCATGACTTTTAGTAACCCTCCTGACTGGTCGAAGAATGTGGAGTAAGT-3'
Protein context (NP_001317189.1, residues 134-154): FSMIIMCTIL[Thr144Ser]NCVFMTFSNP